The following is an entry in ClinVar:

ClinVar aggregate classification (germline): Pathogenic (1 of 4 stars; one submission).

Conditions:
Developmental and epileptic encephalopathy, 9 (DEE9). Also called: Early infantile epileptic encephalopathy 9; PCDH19-Related X-Linked Female-Limited Epilepsy with Mental Retardation; EPILEPSY, FEMALE-RESTRICTED, WITH MENTAL RETARDATION; JUBERG-HELLMAN SYNDROME. Identifiers: Orphanet 101039, Orphanet 2076, MedGen C1848137, MONDO:0010246, OMIM 300088. Disease mechanism: loss of function.

Submission:

Broad Center for Mendelian Genomics, Broad Institute of MIT and Harvard
Classification: Pathogenic for Developmental and epileptic encephalopathy, 9. Last evaluated: 2018-11-15. Review status: criteria provided, single submitter. Criteria: ACMG Guidelines, 2015. Collection method: research. Allele origin: de novo. Inheritance: X-linked inheritance. Affected: yes.
Comment: Trio exome analysis showed this variant to be de novo. This variant was absent from large population studies. This variant is predicted to cause a frameshift, which alters the protein's amino acid sequence beginning at position 653 and leads to a premature termination codon 64 amino acids downstream. This alteration is then predicted to lead to a truncated or absent protein. Loss of function of the PCDH19 gene is an established disease mechanism in autosomal dominant Early Infantile Epileptic Encephalopathy, and this is a loss of function variant. In summary, this variant is pathogenic.

NM_001184880.2(PCDH19):c.1958_1959del (p.Ser653fs)

Gene: PCDH19 (protocadherin 19; minus strand). Cytogenetic location: Xq22.1.
Variant type: Microsatellite.
Coding change: c.1958_1959del on transcript NM_001184880.2 (MANE Select); coding-DNA positions 1958 to 1959, 2 bases deleted (CT; older notation c.1958_1959delCT).
Protein change: p.Ser653fs; shifts the reading frame from serine 653.
Molecular consequence: frameshift variant.
Genome position (GRCh38, 1-based): chrX:100,406,639-100,406,640, AG deleted on the plus strand (CT on the coding strand, the reverse complement: PCDH19 is on the minus strand); deleting any 2 consecutive bases within chrX:100,406,639-100,406,647 gives the same sequence; the c. name uses the placement nearest the transcript's 3' end. VCF-style (leftmost placement, unchanged base first): chrX-100406638-CAG-C. GRCh37 (hg19) VCF-style: chrX-99661636-CAG-C.
Other names: c.1958_1959del, p.Ser653fs (NM_001105243.2, NM_020766.3); short protein forms S653fs.
Identifiers: ClinVar variation 800523 (VCV000800523.1), dbSNP rs796052835, ClinGen allele CA915951267.